The following is an entry in ClinVar:

ClinVar aggregate classification (germline): Uncertain significance (1 of 4 stars; one submission).

Allele frequency attached by ClinVar (database versions not stated): gnomAD 0.00001; 1000 Genomes Project 30x 0.00031.

Submission:

Labcorp Genetics (formerly Invitae), Labcorp
Classification: Uncertain significance. Last evaluated: 2024-10-15. Review status: criteria provided, single submitter. Criteria: Invitae Variant Classification Sherloc (09022015). Collection method: clinical testing. Allele origin: germline.
Comment: This sequence change replaces valine, which is neutral and non-polar, with leucine, which is neutral and non-polar, at codon 521 of the LRP2 protein (p.Val521Leu). This variant is not present in population databases (gnomAD no frequency). This variant has not been reported in the literature in individuals affected with LRP2-related conditions. ClinVar contains an entry for this variant (Variation ID: 1941901). Invitae Evidence Modeling of protein sequence and biophysical properties (such as structural, functional, and spatial information, amino acid conservation, physicochemical variation, residue mobility, and thermodynamic stability) indicates that this missense variant is not expected to disrupt LRP2 protein function with a negative predictive value of 80%. In summary, the available evidence is currently insufficient to determine the role of this variant in disease. Therefore, it has been classified as a Variant of Uncertain Significance.

NM_004525.3(LRP2):c.1561G>C (p.Val521Leu)

Gene: LRP2 (LDL receptor related protein 2; minus strand). Cytogenetic location: 2q31.1.
Variant type: single nucleotide variant.
Coding change: c.1561G>C on transcript NM_004525.3 (MANE Select); coding-DNA position 1561, G replaced by C.
Protein change: p.Val521Leu; replaces valine 521 with leucine.
Molecular consequence: missense variant.
Genome position (GRCh38, 1-based): chr2:169,279,376, C>G on the plus strand (G>C on the coding strand, the complement: LRP2 is on the minus strand). VCF-style: chr2-169279376-C-G. GRCh37 (hg19) VCF-style: chr2-170135886-C-G.
Other names: short protein forms V521L.
Identifiers: ClinVar variation 1941901 (VCV001941901.4), dbSNP rs747479364, ClinGen allele CA349147482.